The following is an entry in ClinVar:

NM_001451.3(FOXF1):c.328C>G (p.Pro110Ala)

Gene: FOXF1 (forkhead box F1; plus strand). Cytogenetic location: 16q24.1.
Variant type: single nucleotide variant.
Coding change: c.328C>G on transcript NM_001451.3 (MANE Select); coding-DNA position 328, C replaced by G.
Protein change: p.Pro110Ala; replaces proline 110 with alanine.
Molecular consequence: missense variant.
Genome position (GRCh38, 1-based): chr16:86,510,897, C>G. VCF-style: chr16-86510897-C-G. GRCh37 (hg19) VCF-style: chr16-86544503-C-G.
Other names: short protein forms P110A.
Identifiers: ClinVar variation 2357273 (VCV002357273.4), dbSNP rs916878606, ClinGen allele CA285810153.

ClinVar aggregate classification (germline): Uncertain significance. Review status: criteria provided, multiple submitters, no conflicts (2 of 4 stars). 2 submissions from 2 submitters: Uncertain significance (2). Last evaluated 2026-07-19.

Conditions:
Inborn genetic diseases. Identifiers: MedGen C0950123, MeSH D030342.
FOXF1-related disorder. Also called: FOXF1-related condition.

Allele frequency attached by ClinVar (database versions not stated): gnomAD 0.00001; gnomAD exomes 0.00001; TOPMed 0.00001.

Submissions (2):

Ambry Genetics
Classification: Uncertain significance for Inborn genetic diseases. Last evaluated: 2026-07-19. Review status: criteria provided, single submitter. Criteria: Ambry Variant Classification Scheme 2023. Collection method: clinical testing. Allele origin: germline.

PreventionGenetics, part of Exact Sciences
Classification: Uncertain significance for FOXF1-related condition. Last evaluated: 2022-12-15. Review status: criteria provided, single submitter. Criteria: ACMG Guidelines, 2015. Collection method: clinical testing. Allele origin: germline.
Comment: The FOXF1 c.328C>G variant is predicted to result in the amino acid substitution p.Pro110Ala. To our knowledge, this variant has not been reported in the literature or in a large population database, indicating this variant is rare. At this time, the clinical significance of this variant is uncertain due to the absence of conclusive functional and genetic evidence.